The following is an entry in ClinVar:

NM_025009.5(CEP135):c.2083G>C (p.Glu695Gln)

Gene: CEP135 (centrosomal protein 135; plus strand). Cytogenetic location: 4q12.
Variant type: single nucleotide variant.
Coding change: c.2083G>C on transcript NM_025009.5 (MANE Select); coding-DNA position 2083, G replaced by C.
Protein change: p.Glu695Gln; replaces glutamic acid 695 with glutamine.
Molecular consequence: missense variant.
Genome position (GRCh38, 1-based): chr4:55,999,375, G>C. VCF-style: chr4-55999375-G-C. GRCh37 (hg19) VCF-style: chr4-56865541-G-C.
Other names: short protein forms E695Q.
Identifiers: ClinVar variation 1516283 (VCV001516283.6), dbSNP rs777424946, ClinGen allele CA2928049.

ClinVar aggregate classification (germline): Uncertain significance (1 of 4 stars; one submission).

Allele frequency attached by ClinVar (database versions not stated): gnomAD exomes below 0.00001; TOPMed below 0.00001; ExAC 0.00001.
gnomAD v4.1: 1 of 1,614,134 alleles (0.000062%); highest among the groups gnomAD compares: Admixed American, 0.0017%; no homozygotes.

Submission:

Labcorp Genetics (formerly Invitae), Labcorp
Classification: Uncertain significance. Last evaluated: 2021-11-03. Review status: criteria provided, single submitter. Criteria: Invitae Variant Classification Sherloc (09022015). Collection method: clinical testing. Allele origin: germline.
Comment: In summary, the available evidence is currently insufficient to determine the role of this variant in disease. Therefore, it has been classified as a Variant of Uncertain Significance. Algorithms developed to predict the effect of missense changes on protein structure and function output the following: SIFT: "Tolerated"; PolyPhen-2: "Benign"; Align-GVGD: "Class C0". The glutamine amino acid residue is found in multiple mammalian species, which suggests that this missense change does not adversely affect protein function. This variant has not been reported in the literature in individuals affected with CEP135-related conditions. This variant is present in population databases (rs777424946, gnomAD 0.003%). This sequence change replaces glutamic acid, which is acidic and polar, with glutamine, which is neutral and polar, at codon 695 of the CEP135 protein (p.Glu695Gln).